The following is an entry in ClinVar:

NM_000213.5(ITGB4):c.943G>A (p.Ala315Thr)

Gene: ITGB4 (integrin subunit beta 4; plus strand). Cytogenetic location: 17q25.1.
Variant type: single nucleotide variant.
Coding change: c.943G>A on transcript NM_000213.5 (MANE Select); coding-DNA position 943, G replaced by A.
Protein change: p.Ala315Thr; replaces alanine 315 with threonine.
Molecular consequence: missense variant.
Genome position (GRCh38, 1-based): chr17:75,730,445, G>A. VCF-style: chr17-75730445-G-A. GRCh37 (hg19) VCF-style: chr17-73726526-G-A.
Other names: c.943G>A, p.Ala315Thr (NM_001005619.2, NM_001005731.3, NM_001321123.2); short protein forms A315T.
Identifiers: ClinVar variation 1386131 (VCV001386131.29), dbSNP rs752032885, ClinGen allele CA8768811.

ClinVar aggregate classification (germline): Uncertain significance. Review status: criteria provided, multiple submitters, no conflicts (2 of 4 stars). 3 submissions from 3 submitters: Uncertain significance (3). Last evaluated 2024-12-21.

Conditions:
Inborn genetic diseases. Identifiers: MedGen C0950123, MeSH D030342.

Allele frequency attached by ClinVar (database versions not stated): gnomAD 0.00001; ExAC 0.00002; gnomAD exomes 0.00002; TOPMed 0.00002.

Submissions (3):

Ambry Genetics
Classification: Uncertain significance for Inborn genetic diseases. Last evaluated: 2024-12-21. Review status: criteria provided, single submitter. Criteria: Ambry Variant Classification Scheme 2023. Collection method: clinical testing. Allele origin: germline.

Labcorp Genetics (formerly Invitae), Labcorp
Classification: Uncertain significance. Last evaluated: 2024-07-29. Review status: criteria provided, single submitter. Criteria: Invitae Variant Classification Sherloc (09022015). Collection method: clinical testing. Allele origin: germline.
Comment: This sequence change replaces alanine, which is neutral and non-polar, with threonine, which is neutral and polar, at codon 315 of the ITGB4 protein (p.Ala315Thr). This variant is present in population databases (rs752032885, gnomAD 0.007%). This variant has not been reported in the literature in individuals affected with ITGB4-related conditions. ClinVar contains an entry for this variant (Variation ID: 1386131). Advanced modeling of protein sequence and biophysical properties (such as structural, functional, and spatial information, amino acid conservation, physicochemical variation, residue mobility, and thermodynamic stability) performed at Invitae indicates that this missense variant is not expected to disrupt ITGB4 protein function with a negative predictive value of 80%. In summary, the available evidence is currently insufficient to determine the role of this variant in disease. Therefore, it has been classified as a Variant of Uncertain Significance.

CeGaT Center for Human Genetics Tuebingen
Classification: Uncertain significance. Last evaluated: 2023-10-01. Review status: criteria provided, single submitter. Criteria: CeGaT Center For Human Genetics Tuebingen Variant Classification Criteria Version 2. Collection method: clinical testing. Allele origin: germline. Affected: yes. Observed: 1 variant allele.
Comment: ITGB4: PM2